The following is an entry in ClinVar:

NC_000022.10:g.(?_37480315)_(37485842_?)del

Gene: TMPRSS6 (transmembrane serine protease 6; minus strand). Cytogenetic location: 22q12.3.
Variant type: Deletion.
Identifiers: ClinVar variation 2427433 (VCV002427433.4).

ClinVar aggregate classification (germline): Pathogenic (1 of 4 stars; one submission).

Submission:

Labcorp Genetics (formerly Invitae), Labcorp
Classification: Pathogenic. Last evaluated: 2022-04-07. Review status: criteria provided, single submitter. Criteria: Invitae Variant Classification Sherloc (09022015). Collection method: clinical testing. Allele origin: germline.
Comment: This variant is a gross deletion of the genomic region encompassing exon(s) 7-10 of the TMPRSS6 gene. This deletion is out-of-frame, and is expected to create a premature termination codon and result in an absent or disrupted protein product. Loss-of-function variants in TMPRSS6 are known to be pathogenic (PMID: 20232450, 25156943). This variant has not been reported in the literature in individuals affected with TMPRSS6-related conditions. For these reasons, this variant has been classified as Pathogenic.

Literature cited by the submitters: PubMed 20232450; PubMed 25156943.